The following is an entry in ClinVar:

NM_001198800.3(ASCC1):c.958-5425A>C

Gene: ASCC1 (activating signal cointegrator 1 complex subunit 1; minus strand). Cytogenetic location: 10q22.1.
Variant type: single nucleotide variant.
Coding change: c.958-5425A>C on transcript NM_001198800.3 (MANE Select); 5425 bases into the intron before coding-DNA position 958, A replaced by C.
Molecular consequence: intron variant. On other transcripts: synonymous variant (14).
Genome position (GRCh38, 1-based): chr10:72,102,875, T>G on the plus strand (A>C on the coding strand, the complement: ASCC1 is on the minus strand). VCF-style: chr10-72102875-T-G. GRCh37 (hg19) VCF-style: chr10-73862633-T-G.
Other names: c.1134A>C, p.Ser378= (NM_001198799.3); c.1116A>C, p.Ser372= (NM_001369085.1, NM_001369086.1); c.1050A>C, p.Ser350= (NM_001369087.1, NM_001369088.1, NM_001369089.1 and 3 more transcripts); c.930A>C, p.Ser310= (NM_001369100.1, NM_001369103.1, NM_001369104.1); c.933A>C, p.Ser311= (NM_001369101.1, NM_001369102.1); c.904-5425A>C (NM_001369099.1); c.752-5425A>C (NM_001369112.1); c.838-5425A>C (NM_001369108.1, NM_001369109.1); and 5 more.
Identifiers: ClinVar variation 711061 (VCV000711061.11), dbSNP rs575692136, ClinGen allele CA5548852.
Genomic context (GRCh38, chr10:72,102,875, plus strand): 5'-AAATACAAAAATTAGCCAGGCATGGTGGCGGTCACCTGTAATCCCAGCTACTTGGGAGGC[T>G]GAGGCAGGAGAATCACTTGAACCCGGGAGGCACAGGTTGCAGTGAGCGGAGATTGCATCA-3'

ClinVar aggregate classification (germline): Likely benign. Review status: criteria provided, single submitter (1 of 4 stars). 2 submissions from 2 submitters: Likely benign (1). 1 of the submissions does not count toward it. Last evaluated 2025-12-24.

Conditions:
ASCC1-related disorder. Also called: ASCC1-related condition; ASCC1-Related Disorders.

Allele frequency attached by ClinVar (database versions not stated): ExAC below 0.00001; gnomAD exomes 0.00022 and 0.00045; 1000 Genomes Project 0.00120; 1000 Genomes Project 30x 0.00156; gnomAD 0.00238 and 0.00259; TOPMed 0.00281.
gnomAD v4.1: 412 of 389,926 alleles (0.11%); highest among the groups gnomAD compares: African/African-American, 0.81%; 5 homozygotes.

Submissions (2):

Labcorp Genetics (formerly Invitae), Labcorp
Classification: Likely benign. Last evaluated: 2025-12-24. Review status: criteria provided, single submitter. Criteria: Invitae Variant Classification Sherloc (09022015). Collection method: clinical testing. Allele origin: germline.

PreventionGenetics, part of Exact Sciences
Classification: Benign for ASCC1-related condition. Last evaluated: 2019-06-30. Review status: no assertion criteria provided. Collection method: clinical testing. Allele origin: germline. Not counted in ClinVar's aggregate classification.
Comment: This variant is classified as benign based on ACMG/AMP sequence variant interpretation guidelines (Richards et al. 2015 PMID: 25741868, with internal and published modifications).